The following is an entry in ClinVar:

ClinVar aggregate classification (germline): Pathogenic (1 of 4 stars; one submission).

Conditions:
X-linked immunodeficiency with magnesium defect, Epstein-Barr virus infection and neoplasia. Identifiers: Orphanet 317476, MedGen C3275445, MONDO:0010455, OMIM 300853.

Submission:

Labcorp Genetics (formerly Invitae), Labcorp
Classification: Pathogenic for X-linked immunodeficiency with magnesium defect, Epstein-Barr virus infection and neoplasia. Last evaluated: 2023-10-05. Review status: criteria provided, single submitter. Criteria: Invitae Variant Classification Sherloc (09022015). Collection method: clinical testing. Allele origin: germline.
Comment: This sequence change creates a premature translational stop signal (p.Val235Ilefs*27) in the MAGT1 gene. It is expected to result in an absent or disrupted protein product. Loss-of-function variants in MAGT1 are known to be pathogenic (PMID: 24550228). This variant is not present in population databases (gnomAD no frequency). This variant has not been reported in the literature in individuals affected with MAGT1-related conditions. For these reasons, this variant has been classified as Pathogenic.

Literature cited by the submitters: PubMed 24550228.

NM_001367916.1(MAGT1):c.607_610del (p.Val203fs)

Gene: MAGT1 (magnesium transporter 1; minus strand). Cytogenetic location: Xq21.1.
Variant type: Deletion.
Coding change: c.607_610del on transcript NM_001367916.1 (MANE Select); coding-DNA positions 607 to 610, 4 bases deleted (GTGT; older notation c.607_610delGTGT).
Protein change: p.Val203fs; shifts the reading frame from valine 203.
Molecular consequence: frameshift variant.
Genome position (GRCh38, 1-based): chrX:77,856,795-77,856,798, ACAC deleted on the plus strand (GTGT on the coding strand, the reverse complement: MAGT1 is on the minus strand); deleting any 4 consecutive bases within chrX:77,856,795-77,856,799 gives the same sequence; the c. name uses the placement nearest the transcript's 3' end. VCF-style (leftmost placement, unchanged base first): chrX-77856794-TACAC-T. GRCh37 (hg19) VCF-style: chrX-77112291-TACAC-T.
Other names: c.703_706del, p.Val235fs (NM_032121.5); short protein forms V203fs, V235fs.
Identifiers: ClinVar variation 2844435 (VCV002844435.3), dbSNP rs2521995500, ClinGen allele CA2739273588.